The following is an entry in ClinVar:

NM_001374675.1(HSF4):c.965dup (p.Pro323fs)

Gene: HSF4 (heat shock transcription factor 4; plus strand). Cytogenetic location: 16q22.1.
Variant type: Duplication.
Coding change: c.965dup on transcript NM_001374675.1 (MANE Select); coding-DNA position 965, one base duplicated (C; older notation c.965dupC).
Protein change: p.Pro323fs; shifts the reading frame from proline 323.
Molecular consequence: frameshift variant.
Genome position (GRCh38, 1-based): chr16:67,167,830, C duplicated; the last of 7 consecutive C bases (chr16:67,167,824-67,167,830); duplicating any one gives the same sequence. VCF-style (leftmost placement, unchanged base first): chr16-67167823-G-GC. GRCh37 (hg19) VCF-style: chr16-67201726-G-GC.
Other names: c.965dup, p.Pro323fs (NM_001040667.3); c.875dup, p.Pro293fs (NM_001374674.1, NM_001538.4); c.875dupC (NM_001538.3); short protein forms P323fs, P293fs.
Identifiers: ClinVar variation 567423 (VCV000567423.10), dbSNP rs776129797, ClinGen allele CA8102045.

ClinVar aggregate classification (germline): Pathogenic. Review status: criteria provided, multiple submitters, no conflicts (2 of 4 stars). 3 submissions from 3 submitters: Pathogenic (3). Last evaluated 2025-09-08.

Conditions:
HSF4-related disorder. Also called: HSF4-related condition.
Cataract 5 multiple types (CTRCT5). Also called: Lamellar cataract; CATARACT 5, LAMELLAR; CATARACT, MARNER TYPE. Identifiers: Orphanet 91492, MedGen C0266537, MONDO:0007290, OMIM 116800, HP:0007971.

Submissions (3):

PreventionGenetics, part of Exact Sciences
Classification: Pathogenic for HSF4-related condition. Last evaluated: 2025-09-08. Review status: criteria provided, single submitter. Criteria: ACMG Guidelines, 2015. Collection method: clinical testing. Allele origin: germline.
Comment: The HSF4 c.875dupC variant is predicted to result in a frameshift and premature protein termination (p.Pro293Alafs*29). In an alternate transcript (NM_001040667.3) this variant is known as c.965dupC (p.Pro323Alafs*29). This variant has been reported in the homozygous state in an individual with neonatal cataracts (Family 5 in Amanova et al. 2025. PubMed ID: 40336307). The heterozygous parents of this patient were documented as unaffected (Amanova et al. 2025. PubMed ID: 40336307). This variant is reported in 0.062% of alleles in individuals of European (Finnish) descent in gnomAD which is too frequent to be consistent with a penetrant autosomal dominant disease. Frameshift variants in HSF4 are expected to be pathogenic in the context of autosomal recessive disease (Syafruddin et al. 2021. PubMed ID: 33807297). Based on this evidence, we interpret this variant as pathogenic.

Labcorp Genetics (formerly Invitae), Labcorp
Classification: Pathogenic for Cataract 5 multiple types. Last evaluated: 2025-03-04. Review status: criteria provided, single submitter. Criteria: Invitae Variant Classification Sherloc (09022015). Collection method: clinical testing. Allele origin: germline.
Comment: This sequence change creates a premature translational stop signal (p.Pro293Alafs*29) in the HSF4 gene. It is expected to result in an absent or disrupted protein product. Loss-of-function variants in HSF4 are known to be pathogenic (PMID: 15959809). The frequency data for this variant in the population databases is considered unreliable, as metrics indicate poor data quality at this position in the gnomAD database. This variant has not been reported in the literature in individuals affected with HSF4-related conditions. ClinVar contains an entry for this variant (Variation ID: 567423). Algorithms developed to predict the effect of sequence changes on RNA splicing suggest that this variant may create or strengthen a splice site. For these reasons, this variant has been classified as Pathogenic.

MGZ Medical Genetics Center
Classification: Pathogenic for Cataract 5 multiple types. Last evaluated: 2021-06-30. Review status: criteria provided, single submitter. Criteria: ACMG Guidelines, 2015. Collection method: clinical testing. Allele origin: germline. Affected: yes. Observed: 1 variant allele.
Comment: ACMG criteria applied: PVS1, PM2_SUP, PM3_SUP

Literature cited by the submitters: PubMed 15959809 (cited by Labcorp Genetics (formerly Invitae), Labcorp).